The following is an entry in ClinVar:

ClinVar aggregate classification (germline): Uncertain significance. Review status: criteria provided, multiple submitters, no conflicts (2 of 4 stars). 2 submissions from 2 submitters: Uncertain significance (2). Last evaluated 2025-10-14.

Conditions:
Inborn genetic diseases. Identifiers: MedGen C0950123, MeSH D030342.

Allele frequency attached by ClinVar (database versions not stated): ESP Exome Variant Server 0.00008; gnomAD exomes 0.00006; TOPMed 0.00006; ExAC 0.00007; gnomAD 0.00004.
gnomAD v4.1: 94 of 1,613,438 alleles (0.0058%); highest among the groups gnomAD compares: Middle Eastern, 0.033%; no homozygotes.

Submissions (2):

Ambry Genetics
Classification: Uncertain significance for Inborn genetic diseases. Last evaluated: 2025-10-14. Review status: criteria provided, single submitter. Criteria: Ambry Variant Classification Scheme 2023. Collection method: clinical testing. Allele origin: germline.

Labcorp Genetics (formerly Invitae), Labcorp
Classification: Uncertain significance. Last evaluated: 2022-06-20. Review status: criteria provided, single submitter. Criteria: Invitae Variant Classification Sherloc (09022015). Collection method: clinical testing. Allele origin: germline.
Comment: This sequence change replaces arginine, which is basic and polar, with cysteine, which is neutral and slightly polar, at codon 344 of the LAMC3 protein (p.Arg344Cys). This variant is present in population databases (rs373592073, gnomAD 0.02%). This variant has not been reported in the literature in individuals affected with LAMC3-related conditions. Algorithms developed to predict the effect of missense changes on protein structure and function (SIFT, PolyPhen-2, Align-GVGD) all suggest that this variant is likely to be disruptive. In summary, the available evidence is currently insufficient to determine the role of this variant in disease. Therefore, it has been classified as a Variant of Uncertain Significance.

NM_006059.4(LAMC3):c.1030C>T (p.Arg344Cys)

Gene: LAMC3 (laminin subunit gamma 3; plus strand). Cytogenetic location: 9q34.12.
Variant type: single nucleotide variant.
Coding change: c.1030C>T on transcript NM_006059.4 (MANE Select); coding-DNA position 1030, C replaced by T.
Protein change: p.Arg344Cys; replaces arginine 344 with cysteine.
Molecular consequence: missense variant.
Genome position (GRCh38, 1-based): chr9:131,038,917, C>T. VCF-style: chr9-131038917-C-T. GRCh37 (hg19) VCF-style: chr9-133914304-C-T.
Other names: c.1030C>T (NM_006059.3); short protein forms R344C.
Identifiers: ClinVar variation 1492146 (VCV001492146.4), dbSNP rs373592073, ClinGen allele CA5286915.
Genomic context (GRCh38, chr9:131,038,917, plus strand): 5'-CCCATAGCCTGCAACTGCAGTGGCCGCTCCGAGGAATGCACGTTTGATCGGGAGCTCTTC[C>T]GCAGCACAGGCCACGGCGGGCGCTGTCACCACTGCCGTGACCACACAGCTGGGCCACACT-3'
Protein context (NP_006050.3, residues 334-354): EECTFDRELF[Arg344Cys]STGHGGRCHH